The following is an entry in ClinVar:

ClinVar aggregate classification (germline): Likely benign. Review status: criteria provided, single submitter (1 of 4 stars). 2 submissions from 2 submitters: Likely benign (1). 1 of the submissions does not count toward it. Last evaluated 2022-04-01.

Conditions:
FAT1-related disorder. Also called: FAT1-related condition.

Allele frequency attached by ClinVar (database versions not stated): ExAC 0.00001; gnomAD 0.00001; gnomAD exomes 0.00001; TOPMed 0.00001.
gnomAD v4.1: 5 of 1,613,874 alleles (0.00031%); highest among the groups gnomAD compares: South Asian, 0.0011%; no homozygotes.

Submissions (2):

CeGaT Center for Human Genetics Tuebingen
Classification: Likely benign. Last evaluated: 2022-04-01. Review status: criteria provided, single submitter. Criteria: CeGaT Center For Human Genetics Tuebingen Variant Classification Criteria Version 2. Collection method: clinical testing. Allele origin: germline. Affected: yes. Observed: 1 variant allele.
Comment: FAT1: BP4

PreventionGenetics, part of Exact Sciences
Classification: Likely benign for FAT1-related condition. Last evaluated: 2021-04-30. Review status: no assertion criteria provided. Collection method: clinical testing. Allele origin: germline. Not counted in ClinVar's aggregate classification.
Comment: This variant is classified as likely benign based on ACMG/AMP sequence variant interpretation guidelines (Richards et al. 2015 PMID: 25741868, with internal and published modifications).

NM_005245.4(FAT1):c.7113C>T (p.Ser2371=)

Gene: FAT1 (FAT atypical cadherin 1; minus strand). Cytogenetic location: 4q35.2.
Variant type: single nucleotide variant.
Coding change: c.7113C>T on transcript NM_005245.4 (MANE Select); coding-DNA position 7113, C replaced by T.
Protein change: p.Ser2371=; no amino-acid change (serine 2371 retained).
Molecular consequence: synonymous variant.
Genome position (GRCh38, 1-based): chr4:186,619,473, G>A on the plus strand (C>T on the coding strand, the complement: FAT1 is on the minus strand). VCF-style: chr4-186619473-G-A. GRCh37 (hg19) VCF-style: chr4-187540627-G-A.
Other names: c.7113C>T (NM_005245.3).
Identifiers: ClinVar variation 2655224 (VCV002655224.25), dbSNP rs751674475, ClinGen allele CA3166121.